The following is an entry in ClinVar:

NM_015909.4(NBAS):c.380-8T>A

Gene: NBAS (NBAS subunit of NRZ tethering complex; minus strand). Cytogenetic location: 2p24.3.
Variant type: single nucleotide variant.
Coding change: c.380-8T>A on transcript NM_015909.4 (MANE Select); 8 bases into the intron before coding-DNA position 380, T replaced by A.
Molecular consequence: intron variant.
Genome position (GRCh38, 1-based): chr2:15,539,364, A>T on the plus strand (T>A on the coding strand, the complement: NBAS is on the minus strand). VCF-style: chr2-15539364-A-T. GRCh37 (hg19) VCF-style: chr2-15679488-A-T.
Identifiers: ClinVar variation 4292218 (VCV004292218.1).
Genomic context (GRCh38, chr2:15,539,364, plus strand): 5'-ACAATCGTAACTCCATGCTACCCGTCTCCACTGGGGTTTCGGGTCTTTCGGAACTAGAAC[A>T]AAAGAAAACAAGAGGTGCTTCTAACAATATATTACAAAGATAGTTAATGCTTTTAGTAAC-3'

ClinVar aggregate classification (germline): Uncertain significance (1 of 4 stars; one submission).

Conditions:
Infantile liver failure syndrome 2 (ILFS2). Identifiers: MedGen C3809651, MONDO:0014659, OMIM 616483.

Submission:

3billion
Classification: Uncertain significance for Infantile liver failure syndrome 2. Last evaluated: 2025-02-21. Review status: criteria provided, single submitter. Criteria: ACMG Guidelines, 2015. Collection method: clinical testing. Allele origin: germline. Affected: yes.
Comment: The variant is not observed in the gnomAD v4.1.0 dataset. Predicted Consequence/Location: Intron variant In silico tools predict the variant to alter splicing and produce an abnormal transcript [SpliceAI: 0.97 (>=0.2, moderate evidence for spliceogenicity)]. Therefore, this variant is classified as VUS according to the recommendation of ACMG/AMP guideline.